The following is an entry in ClinVar:

ClinVar aggregate classification (germline): Benign. Review status: criteria provided, multiple submitters, no conflicts (2 of 4 stars). 4 submissions from 4 submitters: Benign (3). 1 of the submissions does not count toward it. Last evaluated 2026-02-01.

Conditions:
BTRC-related disorder. Also called: BTRC-related condition.

Allele frequency attached by ClinVar (database versions not stated): gnomAD exomes 0.25648; ExAC 0.26394; ESP Exome Variant Server 0.30563; gnomAD 0.29825 and 0.29929; TOPMed 0.31675; 1000 Genomes Project 0.41554; 1000 Genomes Project 30x 0.41630.
gnomAD v4.1: 339,873 of 1,580,108 alleles (22%); highest among the groups gnomAD compares: East Asian, 58%; 45,652 homozygotes.

Submissions (4):

Labcorp Genetics (formerly Invitae), Labcorp
Classification: Benign. Last evaluated: 2026-02-01. Review status: criteria provided, single submitter. Criteria: Invitae Variant Classification Sherloc (09022015). Collection method: clinical testing. Allele origin: germline.

GeneDx
Classification: Benign. Last evaluated: 2021-06-16. Review status: criteria provided, single submitter. Criteria: GeneDx Variant Classification Process June 2021. Collection method: clinical testing. Allele origin: germline. Affected: yes.

Breakthrough Genomics
Classification: Benign. Review status: criteria provided, single submitter. Criteria: ACMG Guidelines, 2015. Collection method: not provided. Allele origin: germline. Inheritance: Unknown mechanism. Affected: yes.

PreventionGenetics, part of Exact Sciences
Classification: Benign for BTRC-related condition. Last evaluated: 2019-03-26. Review status: no assertion criteria provided. Collection method: clinical testing. Allele origin: germline. Not counted in ClinVar's aggregate classification.
Comment: This variant is classified as benign based on ACMG/AMP sequence variant interpretation guidelines (Richards et al. 2015 PMID: 25741868, with internal and published modifications).

NM_033637.4(BTRC):c.556+7C>G

Gene: BTRC (beta-transducin repeat containing E3 ubiquitin protein ligase; plus strand). Cytogenetic location: 10q24.32.
Variant type: single nucleotide variant.
Coding change: c.556+7C>G on transcript NM_033637.4 (MANE Select); 7 bases into the intron after coding-DNA position 556, C replaced by G.
Molecular consequence: intron variant.
Genome position (GRCh38, 1-based): chr10:101,521,877, C>G. VCF-style: chr10-101521877-C-G. GRCh37 (hg19) VCF-style: chr10-103281634-C-G.
Other names: c.556+7C>G (NM_033637.3); c.478+7C>G (NM_001256856.2); c.448+7C>G (NM_003939.5).
Identifiers: ClinVar variation 1222592 (VCV001222592.14), dbSNP rs6584429, ClinGen allele CA5655987.